The following is an entry in ClinVar:

ClinVar aggregate classification (germline): Benign/Likely benign. Review status: criteria provided, multiple submitters, no conflicts (2 of 4 stars). 4 submissions from 4 submitters: Benign (1); Likely benign (3). Last evaluated 2026-01-21.

Allele frequency attached by ClinVar (database versions not stated): gnomAD 0.00026 and 0.00038; TOPMed 0.00054; gnomAD exomes 0.00076; ExAC 0.00091; 1000 Genomes Project 30x 0.00250; 1000 Genomes Project 0.00280.
gnomAD v4.1: 407 of 1,613,920 alleles (0.025%); highest among the groups gnomAD compares: East Asian, 0.83%; 2 homozygotes.

Submissions (4):

Labcorp Genetics (formerly Invitae), Labcorp
Classification: Benign. Last evaluated: 2026-01-21. Review status: criteria provided, single submitter. Criteria: Invitae Variant Classification Sherloc (09022015). Collection method: clinical testing. Allele origin: germline.

Blueprint Genetics
Classification: Likely benign. Last evaluated: 2024-10-23. Review status: criteria provided, single submitter. Criteria: ACMG Guidelines, 2015. Collection method: clinical testing. Allele origin: germline.

CeGaT Center for Human Genetics Tuebingen
Classification: Likely benign. Last evaluated: 2024-09-01. Review status: criteria provided, single submitter. Criteria: CeGaT Center For Human Genetics Tuebingen Variant Classification Criteria Version 2. Collection method: clinical testing. Allele origin: germline. Affected: yes. Observed: 1 variant allele.
Comment: TUBB2A: BP4, BP7, BS1

GeneDx
Classification: Likely benign. Last evaluated: 2019-10-11. Review status: criteria provided, single submitter. Criteria: GeneDx Variant Classification Process June 2021. Collection method: clinical testing. Allele origin: germline. Affected: yes.

NM_001069.3(TUBB2A):c.294G>C (p.Gly98=)

Gene: TUBB2A (tubulin beta 2A class IIa; minus strand). Cytogenetic location: 6p25.2.
Variant type: single nucleotide variant.
Coding change: c.294G>C on transcript NM_001069.3 (MANE Select); coding-DNA position 294, G replaced by C.
Protein change: p.Gly98=; no amino-acid change (glycine 98 retained).
Molecular consequence: synonymous variant.
Genome position (GRCh38, 1-based): chr6:3,154,907, C>G on the plus strand (G>C on the coding strand, the complement: TUBB2A is on the minus strand). VCF-style: chr6-3154907-C-G. GRCh37 (hg19) VCF-style: chr6-3155141-C-G.
Other names: c.39G>C, p.Gly13= (NM_001310315.2).
Identifiers: ClinVar variation 1200231 (VCV001200231.26), dbSNP rs188542181, ClinGen allele CA3619032.
Genomic context (GRCh38, chr6:3,154,907, plus strand): 5'-ATCCAGGACCGAGTCGACCAGCTCGGCTCCCTCTGTGTAGTGGCCCTTGGCCCAGTTATT[C>G]CCGGCTCCACTCTGGCCTGCCAGAGGGAAAGTGAACATTAGACACTAAAACATAAGGAAT-3'
Protein context (NP_001060.1, residues 88-108): DNFVFGQSGA[Gly98=]NNWAKGHYTE